The following is an entry in ClinVar:

NM_022051.3(EGLN1):c.1111C>G (p.Arg371Gly)

Gene: EGLN1 (egl-9 family hypoxia inducible factor 1; minus strand). Cytogenetic location: 1q42.2.
Variant type: single nucleotide variant.
Coding change: c.1111C>G on transcript NM_022051.3 (MANE Select); coding-DNA position 1111, C replaced by G.
Protein change: p.Arg371Gly; replaces arginine 371 with glycine.
Molecular consequence: missense variant. On other transcripts: intron variant (1).
Genome position (GRCh38, 1-based): chr1:231,370,599, G>C on the plus strand (C>G on the coding strand, the complement: EGLN1 is on the minus strand). VCF-style: chr1-231370599-G-C. GRCh37 (hg19) VCF-style: chr1-231506345-G-C.
Other names: c.1111C>G, p.Arg371Gly (NM_001377260.1); c.1012-2963C>G (NM_001377261.1); short protein forms R371G.
Identifiers: ClinVar variation 4663411 (VCV004663411.1).

ClinVar aggregate classification (germline): Uncertain significance (1 of 4 stars; one submission).

Submission:

Ambry Genetics
Classification: Uncertain significance. Last evaluated: 2025-11-10. Review status: criteria provided, single submitter. Criteria: Ambry Variant Classification Scheme 2023. Collection method: clinical testing. Allele origin: germline.
Comment: The p.R371G variant (also known as c.1111C>G), located in coding exon 3 of the EGLN1 gene, results from a C to G substitution at nucleotide position 1111. The arginine at codon 371 is replaced by glycine, an amino acid with dissimilar properties. This amino acid position is conserved. In addition, this alteration is predicted to be deleterious by in silico analysis. Based on the available evidence, the clinical significance of this variant remains unclear.